The following is an entry in ClinVar:

ClinVar aggregate classification (germline): Uncertain significance (1 of 4 stars; one submission).

Allele frequency attached by ClinVar (database versions not stated): ExAC 0.00001.
gnomAD v4.1: 2 of 1,614,002 alleles (0.00012%); highest among the groups gnomAD compares: Middle Eastern, 0.016%; no homozygotes.

Submission:

Labcorp Genetics (formerly Invitae), Labcorp
Classification: Uncertain significance. Last evaluated: 2023-06-02. Review status: criteria provided, single submitter. Criteria: Invitae Variant Classification Sherloc (09022015). Collection method: clinical testing. Allele origin: germline.
Comment: Advanced modeling of protein sequence and biophysical properties (such as structural, functional, and spatial information, amino acid conservation, physicochemical variation, residue mobility, and thermodynamic stability) performed at Invitae indicates that this missense variant is not expected to disrupt KCNH1 protein function. In summary, the available evidence is currently insufficient to determine the role of this variant in disease. Therefore, it has been classified as a Variant of Uncertain Significance. This sequence change replaces threonine, which is neutral and polar, with alanine, which is neutral and non-polar, at codon 789 of the KCNH1 protein (p.Thr789Ala). This variant is present in population databases (rs750271907, gnomAD 0.0009%). This variant has not been reported in the literature in individuals affected with KCNH1-related conditions.

NM_172362.3(KCNH1):c.2365A>G (p.Thr789Ala)

Gene: KCNH1 (potassium voltage-gated channel subfamily H member 1; minus strand). Cytogenetic location: 1q32.2.
Variant type: single nucleotide variant.
Coding change: c.2365A>G on transcript NM_172362.3 (MANE Select); coding-DNA position 2365, A replaced by G.
Protein change: p.Thr789Ala; replaces threonine 789 with alanine.
Molecular consequence: missense variant.
Genome position (GRCh38, 1-based): chr1:210,683,886, T>C on the plus strand (A>G on the coding strand, the complement: KCNH1 is on the minus strand). VCF-style: chr1-210683886-T-C. GRCh37 (hg19) VCF-style: chr1-210857228-T-C.
Other names: c.2284A>G, p.Thr762Ala (NM_002238.4); short protein forms T789A, T762A.
Identifiers: ClinVar variation 2881330 (VCV002881330.3), dbSNP rs750271907, ClinGen allele CA1379688.